The following is an entry in ClinVar:

ClinVar aggregate classification (germline): Uncertain significance. Review status: criteria provided, multiple submitters, no conflicts (2 of 4 stars). 2 submissions from 2 submitters: Uncertain significance (2). Last evaluated 2025-01-09.

Conditions:
Hereditary cancer-predisposing syndrome. Also called: Neoplastic Syndromes, Hereditary; Tumor predisposition; Hereditary Cancer Syndrome; Hereditary neoplastic syndrome. Identifiers: Orphanet 140162, MedGen C0027672, MeSH D009386, MONDO:0015356.

Submissions (2):

Ambry Genetics
Classification: Uncertain significance for Hereditary cancer-predisposing syndrome. Last evaluated: 2025-01-09. Review status: criteria provided, single submitter. Criteria: Ambry Variant Classification Scheme 2023. Collection method: clinical testing. Allele origin: germline.
Comment: The p.L1986S variant (also known as c.5957T>C), located in coding exon 43 of the POLE gene, results from a T to C substitution at nucleotide position 5957. The leucine at codon 1986 is replaced by serine, an amino acid with dissimilar properties. This amino acid position is conserved. In addition, this alteration is predicted to be deleterious by in silico analysis. Based on the available evidence, the clinical significance of this variant remains unclear.

Labcorp Genetics (formerly Invitae), Labcorp
Classification: Uncertain significance. Last evaluated: 2023-07-17. Review status: criteria provided, single submitter. Criteria: Invitae Variant Classification Sherloc (09022015). Collection method: clinical testing. Allele origin: germline.
Comment: ClinVar contains an entry for this variant (Variation ID: 653312). This variant has not been reported in the literature in individuals affected with POLE-related conditions. This variant is not present in population databases (gnomAD no frequency). This sequence change replaces leucine, which is neutral and non-polar, with serine, which is neutral and polar, at codon 1986 of the POLE protein (p.Leu1986Ser). In summary, the available evidence is currently insufficient to determine the role of this variant in disease. Therefore, it has been classified as a Variant of Uncertain Significance. Advanced modeling of protein sequence and biophysical properties (such as structural, functional, and spatial information, amino acid conservation, physicochemical variation, residue mobility, and thermodynamic stability) performed at Invitae indicates that this missense variant is expected to disrupt POLE protein function.

NM_006231.4(POLE):c.5957T>C (p.Leu1986Ser)

Gene: POLE (DNA polymerase epsilon, catalytic subunit; minus strand). Cytogenetic location: 12q24.33.
Variant type: single nucleotide variant.
Coding change: c.5957T>C on transcript NM_006231.4 (MANE Select); coding-DNA position 5957, T replaced by C.
Protein change: p.Leu1986Ser; replaces leucine 1986 with serine.
Molecular consequence: missense variant.
Genome position (GRCh38, 1-based): chr12:132,634,233, A>G on the plus strand (T>C on the coding strand, the complement: POLE is on the minus strand). VCF-style: chr12-132634233-A-G. GRCh37 (hg19) VCF-style: chr12-133210819-A-G.
Other names: c.5957T>C (NM_006231.2); short protein forms L1986S.
Identifiers: ClinVar variation 653312 (VCV000653312.10), dbSNP rs1593711943, ClinGen allele CA387371505.